The following is an entry in ClinVar:

ClinVar aggregate classification (germline): Uncertain significance (1 of 4 stars; one submission).

Allele frequency attached by ClinVar (database versions not stated): gnomAD exomes below 0.00001.
gnomAD v4.1: 2 of 1,613,504 alleles (0.00012%); highest among the groups gnomAD compares: African/African-American, 0.0013%; no homozygotes.

Submission:

Laboratory for Molecular Medicine, Mass General Brigham Personalized Medicine
Classification: Uncertain significance. Last evaluated: 2012-09-10. Review status: criteria provided, single submitter. Criteria: LMM Criteria. Collection method: clinical testing. Allele origin: germline. Observed: 1 variant allele.
Comment: The Glu371Gly variant in MYH6 has not been reported in the literature nor previo usly identified by our laboratory. Computational analyses (biochemical amino aci d properties, conservation, AlignGVGD, and SIFT) suggest that the variant may im pact the protein, though this information is not predictive enough to determine pathogenicity. Additional information is needed to fully assess the clinical sig nificance of this variant.

NM_002471.4(MYH6):c.1112A>G (p.Glu371Gly)

Gene: MYH6 (myosin heavy chain 6; minus strand). Cytogenetic location: 14q11.2.
Variant type: single nucleotide variant.
Coding change: c.1112A>G on transcript NM_002471.4 (MANE Select); coding-DNA position 1112, A replaced by G.
Protein change: p.Glu371Gly; replaces glutamic acid 371 with glycine.
Molecular consequence: missense variant.
Genome position (GRCh38, 1-based): chr14:23,402,493, T>C on the plus strand (A>G on the coding strand, the complement: MYH6 is on the minus strand). VCF-style: chr14-23402493-T-C. GRCh37 (hg19) VCF-style: chr14-23871702-T-C.
Other names: short protein forms E371G.
Identifiers: ClinVar variation 44447 (VCV000044447.4), dbSNP rs397516754, ClinGen allele CA134224.